The following is an entry in ClinVar:

NM_003954.5(MAP3K14):c.437G>A (p.Arg146Gln)

Gene: MAP3K14 (mitogen-activated protein kinase kinase kinase 14; minus strand). Cytogenetic location: 17q21.31.
Variant type: single nucleotide variant.
Coding change: c.437G>A on transcript NM_003954.5 (MANE Select); coding-DNA position 437, G replaced by A.
Protein change: p.Arg146Gln; replaces arginine 146 with glutamine.
Molecular consequence: missense variant.
Genome position (GRCh38, 1-based): chr17:45,287,254, C>T on the plus strand (G>A on the coding strand, the complement: MAP3K14 is on the minus strand). VCF-style: chr17-45287254-C-T. GRCh37 (hg19) VCF-style: chr17-43364620-C-T.
Other names: short protein forms R146Q.
Identifiers: ClinVar variation 837890 (VCV000837890.12), dbSNP rs1171827253, ClinGen allele CA399890423.
Genomic context (GRCh38, chr17:45,287,254, plus strand): 5'-GGGAGGGGTTTGGCCAAGGCCACTCCTGCATGAGCCAGGGACTTTGAGCTCTTCTTCTTC[C>T]GTTTCTTCCGGGCTTTGCTGCGACGCTTTCCCTTCCAACACACACGGGCCATTTTGCCCT-3'
Protein context (NP_003945.2, residues 136-156): GKRRSKARKK[Arg146Gln]KKKSSKSLAH

ClinVar aggregate classification (germline): Uncertain significance. Review status: criteria provided, multiple submitters, no conflicts (2 of 4 stars). 2 submissions from 2 submitters: Uncertain significance (2). Last evaluated 2023-11-10.

Conditions:
NIK deficiency. Also called: Primary immunodeficiency with multifaceted aberrant lymphoid immunity. Identifiers: Orphanet 447731, MedGen C5680065, MONDO:0018642.

Allele frequency attached by ClinVar (database versions not stated): TOPMed 0.00001; gnomAD 0.00002.
gnomAD v4.1: 9 of 1,613,900 alleles (0.00056%); highest among the groups gnomAD compares: African/African-American, 0.004%; no homozygotes.

Submissions (2):

Blueprint Genetics
Classification: Uncertain significance. Last evaluated: 2023-11-10. Review status: criteria provided, single submitter. Criteria: ACMG Guidelines, 2015. Collection method: clinical testing. Allele origin: germline.

Labcorp Genetics (formerly Invitae), Labcorp
Classification: Uncertain significance for NIK deficiency. Last evaluated: 2022-06-28. Review status: criteria provided, single submitter. Criteria: Invitae Variant Classification Sherloc (09022015). Collection method: clinical testing. Allele origin: germline.
Comment: This sequence change replaces arginine, which is basic and polar, with glutamine, which is neutral and polar, at codon 146 of the MAP3K14 protein (p.Arg146Gln). This variant is present in population databases (no rsID available, gnomAD 0.01%). This variant has not been reported in the literature in individuals affected with MAP3K14-related conditions. ClinVar contains an entry for this variant (Variation ID: 837890). Experimental studies and prediction algorithms are not available or were not evaluated, and the functional significance of this variant is currently unknown. In summary, the available evidence is currently insufficient to determine the role of this variant in disease. Therefore, it has been classified as a Variant of Uncertain Significance.